The following is an entry in ClinVar:

ClinVar aggregate classification (germline): Likely benign. Review status: criteria provided, multiple submitters, no conflicts (2 of 4 stars). 3 submissions from 3 submitters: Likely benign (3). Last evaluated 2026-08-01.

Allele frequency attached by ClinVar (database versions not stated): 1000 Genomes Project 0.00160; gnomAD 0.00165 and 0.00173; gnomAD exomes 0.00170 and 0.00127; 1000 Genomes Project 30x 0.00187; TOPMed 0.00263; ESP Exome Variant Server 0.00116; ExAC 0.00144.
gnomAD v4.1: 2,665 of 1,564,370 alleles (0.17%); highest among the groups gnomAD compares: Admixed American, 0.45%; 5 homozygotes.

Submissions (3):

CeGaT Center for Human Genetics Tuebingen
Classification: Likely benign. Last evaluated: 2026-08-01. Review status: criteria provided, single submitter. Criteria: CeGaT Center For Human Genetics Tuebingen Variant Classification Criteria Version 2. Collection method: clinical testing. Allele origin: germline. Affected: yes. Observed: 1 variant allele.
Comment: TSPOAP1: BP4, BS2

Labcorp Genetics (formerly Invitae), Labcorp
Classification: Likely benign. Last evaluated: 2018-07-15. Review status: criteria provided, single submitter. Criteria: Invitae Variant Classification Sherloc (09022015). Collection method: clinical testing. Allele origin: germline.

Breakthrough Genomics
Classification: Likely benign. Review status: criteria provided, single submitter. Criteria: ACMG Guidelines, 2015. Collection method: not provided. Allele origin: germline. Inheritance: Unknown mechanism. Affected: yes.

NM_004758.4(TSPOAP1):c.3361C>T (p.Pro1121Ser)

Gene: TSPOAP1 (TSPO associated protein 1; minus strand). Cytogenetic location: 17q22.
Variant type: single nucleotide variant.
Coding change: c.3361C>T on transcript NM_004758.4 (MANE Select); coding-DNA position 3361, C replaced by T.
Protein change: p.Pro1121Ser; replaces proline 1121 with serine.
Molecular consequence: missense variant.
Genome position (GRCh38, 1-based): chr17:58,310,934, G>A on the plus strand (C>T on the coding strand, the complement: TSPOAP1 is on the minus strand). VCF-style: chr17-58310934-G-A. GRCh37 (hg19) VCF-style: chr17-56388295-G-A.
Other names: c.3361C>T, p.Pro1121Ser (NM_001261835.2); c.3181C>T, p.Pro1061Ser (NM_024418.3); short protein forms P1061S, P1121S.
Identifiers: ClinVar variation 718105 (VCV000718105.5), dbSNP rs148479487, ClinGen allele CA8671843.
Genomic context (GRCh38, chr17:58,310,934, plus strand): 5'-TTGCCATCTCTCTGGAAGGGCTTGCAGGGGGTGCTCCTGGAGGCTCTTGAGTTCCAAGGG[G>A]AGCAGGGTGCTGGAGAGGAGAGCTGGGGTCTCCAGGCCCTGGGGAGGCTGAAGCAAGGGG-3'
Protein context (NP_004749.2, residues 1111-1131): DPSSPLQHPA[Pro1121Ser]LGTQEPPGAP